The following is an entry in ClinVar:

NM_001943.5(DSG2):c.1848G>A (p.Ala616=)

Gene: DSG2 (desmoglein 2; plus strand). Cytogenetic location: 18q12.1.
Variant type: single nucleotide variant.
Coding change: c.1848G>A on transcript NM_001943.5 (MANE Select); coding-DNA position 1848, G replaced by A.
Protein change: p.Ala616=; no amino-acid change (alanine 616 retained).
Molecular consequence: synonymous variant.
Genome position (GRCh38, 1-based): chr18:31,538,947, G>A. VCF-style: chr18-31538947-G-A. GRCh37 (hg19) VCF-style: chr18-29118910-G-A.
Identifiers: ClinVar variation 919914 (VCV000919914.16), dbSNP rs372349945, ClinGen allele CA043881.

ClinVar aggregate classification (germline): Likely benign. Review status: criteria provided, multiple submitters, no conflicts (2 of 4 stars). 6 submissions from 6 submitters: Likely benign (6). Last evaluated 2026-04-01.

Conditions:
Arrhythmogenic right ventricular cardiomyopathy (ARVD). Also called: Arrhythmogenic right ventricular dysplasia; Arrhythmogenic cardiomyopathy; Arrhythmogenic Right Ventricular Cardiomyopathy (ARVC); Cardiomyopathy, ARVC. Identifiers: Orphanet 247, MedGen C0349788, MeSH D019571, MONDO:0016587. Disease mechanism: loss of function. Inheritance: Various modes of inheritance.
Cardiomyopathy (CMYO). Also called: Cardiomyopathies. Identifiers: Orphanet 167848, MedGen C0878544, MONDO:0004994, HP:0001638. Inheritance: Various modes of inheritance.
Arrhythmogenic right ventricular dysplasia 10. Also called: Arrhythmogenic Right Ventricular Dysplasia/Cardiomyopathy10; ARRHYTHMOGENIC RIGHT VENTRICULAR DYSPLASIA, FAMILIAL, 10; Arrhythmogenic right ventricular dysplasia/cardiomyopathy, type 10. Identifiers: MedGen C1857777, MONDO:0012434, OMIM 610193.
Cardiovascular phenotype. Identifiers: MedGen CN230736.

Allele frequency attached by ClinVar (database versions not stated): TOPMed 0.00002.

Submissions (6):

CeGaT Center for Human Genetics Tuebingen
Classification: Likely benign. Last evaluated: 2026-04-01. Review status: criteria provided, single submitter. Criteria: CeGaT Center For Human Genetics Tuebingen Variant Classification Criteria Version 2. Collection method: clinical testing. Allele origin: germline. Affected: yes. Observed: 1 variant allele.
Comment: DSG2: BP4, BP7

Labcorp Genetics (formerly Invitae), Labcorp
Classification: Likely benign for Arrhythmogenic right ventricular dysplasia 10. Last evaluated: 2025-12-29. Review status: criteria provided, single submitter. Criteria: Invitae Variant Classification Sherloc (09022015). Collection method: clinical testing. Allele origin: germline.

Women's Health and Genetics/Laboratory Corporation of America, LabCorp
Classification: Likely benign. Last evaluated: 2025-03-14. Review status: criteria provided, single submitter. Criteria: LabCorp Variant Classification Summary - May 2015. Collection method: clinical testing. Allele origin: germline.

All of Us Research Program, National Institutes of Health
Classification: Likely benign for Arrhythmogenic right ventricular cardiomyopathy. Last evaluated: 2023-12-01. Review status: criteria provided, single submitter. Criteria: ACMG Guidelines, 2015. Collection method: clinical testing. Allele origin: germline. Inheritance: Autosomal dominant inheritance. Observed: 6 variant alleles, 6 heterozygotes.
Comment: This study involves interpretation of variants in research participants for the purpose of population health screening. Participant phenotype was not available at the time of variant classification. Additional details can be found in publication PMID: 35346344, PMCID: PMC8962531

Ambry Genetics
Classification: Likely benign for Cardiovascular phenotype. Last evaluated: 2022-05-20. Review status: criteria provided, single submitter. Criteria: Ambry Variant Classification Scheme 2023. Collection method: clinical testing. Allele origin: germline.

Color Diagnostics, LLC DBA Color Health
Classification: Likely benign for Cardiomyopathy. Last evaluated: 2019-03-19. Review status: criteria provided, single submitter. Criteria: ACMG Guidelines, 2015. Collection method: clinical testing. Allele origin: germline.